The following is an entry in ClinVar:

NM_021072.4(HCN1):c.1924C>T (p.Pro642Ser)

Gene: HCN1 (hyperpolarization activated cyclic nucleotide gated potassium channel 1; minus strand). Cytogenetic location: 5p12.
Variant type: single nucleotide variant.
Coding change: c.1924C>T on transcript NM_021072.4 (MANE Select); coding-DNA position 1924, C replaced by T.
Protein change: p.Pro642Ser; replaces proline 642 with serine.
Molecular consequence: missense variant.
Genome position (GRCh38, 1-based): chr5:45,262,670, G>A on the plus strand (C>T on the coding strand, the complement: HCN1 is on the minus strand). VCF-style: chr5-45262670-G-A. GRCh37 (hg19) VCF-style: chr5-45262772-G-A.
Other names: short protein forms P642S.
Identifiers: ClinVar variation 3635382 (VCV003635382.2).

ClinVar aggregate classification (germline): Uncertain significance (1 of 4 stars; one submission).

Conditions:
Early-infantile DEE. Also called: Early infantile epileptic encephalopathy; Ohtahara syndrome; Early infantile epileptic encephalopathy with suppression bursts. Identifiers: Orphanet 1934, MedGen C0393706, MONDO:0800491.

gnomAD v4.1: 1 of 1,614,126 alleles (0.000062%); highest among the groups gnomAD compares: Non-Finnish European, 0.000085%; no homozygotes.

Submission:

Labcorp Genetics (formerly Invitae), Labcorp
Classification: Uncertain significance for Early-infantile DEE. Last evaluated: 2024-09-25. Review status: criteria provided, single submitter. Criteria: Invitae Variant Classification Sherloc (09022015). Collection method: clinical testing. Allele origin: germline.
Comment: This sequence change replaces proline, which is neutral and non-polar, with serine, which is neutral and polar, at codon 642 of the HCN1 protein (p.Pro642Ser). This variant is not present in population databases (gnomAD no frequency). This variant has not been reported in the literature in individuals affected with HCN1-related conditions. Invitae Evidence Modeling of protein sequence and biophysical properties (such as structural, functional, and spatial information, amino acid conservation, physicochemical variation, residue mobility, and thermodynamic stability) indicates that this missense variant is not expected to disrupt HCN1 protein function with a negative predictive value of 95%. In summary, the available evidence is currently insufficient to determine the role of this variant in disease. Therefore, it has been classified as a Variant of Uncertain Significance.